The following is an entry in ClinVar:

NM_173628.4(DNAH17):c.6389C>T (p.Ala2130Val)

Genes: DNAH17 (dynein axonemal heavy chain 17; minus strand), DNAH17-AS1 (DNAH17 antisense RNA 1; plus strand), LOC126862653 (BRD4-independent group 4 enhancer GRCh37_chr17:76489132-76490331; plus strand). Cytogenetic location: 17q25.3.
Variant type: single nucleotide variant.
Coding change: c.6389C>T on transcript NM_173628.4 (MANE Select); coding-DNA position 6389, C replaced by T.
Protein change: p.Ala2130Val; replaces alanine 2130 with valine.
Molecular consequence: missense variant. On other transcripts: non-coding transcript variant (1).
Genome position (GRCh38, 1-based): chr17:78,494,055, G>A on the plus strand (C>T on the coding strand, the complement: DNAH17 is on the minus strand). VCF-style: chr17-78494055-G-A. GRCh37 (hg19) VCF-style: chr17-76490137-G-A.
Other names: p.Ala2130Val; short protein forms A2130V.
Identifiers: ClinVar variation 2499678 (VCV002499678.2), dbSNP rs771207848, ClinGen allele CA8802809.

ClinVar aggregate classification (germline): Uncertain significance (1 of 4 stars; one submission).

Conditions:
Spermatogenic failure 39. Identifiers: MedGen C5231438, MONDO:0032845, OMIM 618643.

Allele frequency attached by ClinVar (database versions not stated): gnomAD 0.00001; TOPMed 0.00001; ExAC 0.00019.
gnomAD v4.1: 126 of 1,612,348 alleles (0.0078%); highest among the groups gnomAD compares: South Asian, 0.1%; no homozygotes.

Submission:

Foundation for Research in Genetics and Endocrinology, FRIGE's Institute of Human Genetics
Classification: Uncertain significance for Spermatogenic failure 39. Last evaluated: 2023-04-21. Review status: criteria provided, single submitter. Criteria: ACMG Guidelines, 2015. Collection method: clinical testing. Allele origin: germline. Inheritance: Autosomal recessive inheritance. Affected: yes. Observed: 1 compound heterozygote.
Comment: A heterozygous missense variation in exon 41 of the DNAH17 gene that results in the amino acid substitution of valine for alanine at codon2130 was detected. The observed variant c.6389C>T (p.Ala2130Val) has not been is not observed in the 1000 Genomes database and has MAF of 0.001% in the gnomAD database. The in silico prediction of the variant is damaging by FATHMM and EVE. The reference codon is conserved across species. In summary, the variant meets our criteria to be classified as a variant of uncertain significance.